The following is an entry in ClinVar:

ClinVar aggregate classification (germline): Uncertain significance (1 of 4 stars; one submission).

Conditions:
Cardiovascular phenotype. Identifiers: MedGen CN230736.
Hereditary cancer-predisposing syndrome. Also called: Neoplastic Syndromes, Hereditary; Tumor predisposition; Hereditary Cancer Syndrome; Hereditary neoplastic syndrome. Identifiers: Orphanet 140162, MedGen C0027672, MeSH D009386, MONDO:0015356.

Submission:

Ambry Genetics
Classification: Uncertain significance for Cardiovascular phenotype; Hereditary cancer-predisposing syndrome. Last evaluated: 2022-01-29. Review status: criteria provided, single submitter. Criteria: Ambry Variant Classification Scheme 2023. Collection method: clinical testing. Allele origin: germline.
Comment: The p.G300A variant (also known as c.899G>C), located in coding exon 9 of the LZTR1 gene, results from a G to C substitution at nucleotide position 899. The glycine at codon 300 is replaced by alanine, an amino acid with similar properties. This amino acid position is conserved. In addition, this alteration is predicted to be deleterious by in silico analysis. Since supporting evidence is limited at this time, the clinical significance of this alteration remains unclear.

NM_006767.4(LZTR1):c.899G>C (p.Gly300Ala)

Gene: LZTR1 (leucine zipper like post translational regulator 1; plus strand). Cytogenetic location: 22q11.21.
Variant type: single nucleotide variant.
Coding change: c.899G>C on transcript NM_006767.4 (MANE Select); coding-DNA position 899, G replaced by C.
Protein change: p.Gly300Ala; replaces glycine 300 with alanine.
Molecular consequence: missense variant.
Genome position (GRCh38, 1-based): chr22:20,991,735, G>C. VCF-style: chr22-20991735-G-C. GRCh37 (hg19) VCF-style: chr22-21346024-G-C.
Other names: short protein forms G300A.
Identifiers: ClinVar variation 1765386 (VCV001765386.2), dbSNP rs2518617212, ClinGen allele CA410781381.
Genomic context (GRCh38, chr22:20,991,735, plus strand): 5'-CCCCGCAGCGGCGCTACGGGCATACCATGGTGGCCTTTGACCGCCACCTCTATGTGTTTG[G>C]GGGTGCGGCCGACAACACGCTGCCCAACGAGCTGCACTGCTATGACGTGGACTTCCAGAC-3'
Protein context (NP_006758.2, residues 290-310): VAFDRHLYVF[Gly300Ala]GAADNTLPNE